The following is an entry in ClinVar:

ClinVar aggregate classification (germline): Uncertain significance (1 of 4 stars; one submission).

Conditions:
Familial thoracic aortic aneurysm and aortic dissection (TAAD). Also called: Thoracic aortic aneurysms and dissections. Identifiers: Orphanet 91387, MedGen C4707243, MONDO:0019625.

gnomAD v4.1: 1 of 1,614,138 alleles (0.000062%); highest among the groups gnomAD compares: East Asian, 0.0022%; no homozygotes.

Submission:

Color Diagnostics, LLC DBA Color Health
Classification: Uncertain significance for Familial thoracic aortic aneurysm and aortic dissection. Last evaluated: 2025-07-20. Review status: criteria provided, single submitter. Criteria: ACMG Guidelines, 2015. Collection method: clinical testing. Allele origin: germline.
Comment: This missense variant replaces serine with asparagine at codon 1499 of the FBN1 protein. Computational prediction suggests that this variant may not impact protein structure and function. To our knowledge, functional studies have not been reported for this variant. This variant has not been reported in individuals affected with FBN1-related disorders in the literature. This variant has not been identified in the general population by the Genome Aggregation Database (gnomAD). The available evidence is insufficient to determine the role of this variant in disease conclusively. Therefore, this variant is classified as a Variant of Uncertain Significance.

NM_000138.5(FBN1):c.4496G>A (p.Ser1499Asn)

Gene: FBN1 (fibrillin 1; minus strand). Cytogenetic location: 15q21.1.
Variant type: single nucleotide variant.
Coding change: c.4496G>A on transcript NM_000138.5 (MANE Select); coding-DNA position 4496, G replaced by A.
Protein change: p.Ser1499Asn; replaces serine 1499 with asparagine.
Molecular consequence: missense variant.
Genome position (GRCh38, 1-based): chr15:48,468,498, C>T on the plus strand (G>A on the coding strand, the complement: FBN1 is on the minus strand). VCF-style: chr15-48468498-C-T. GRCh37 (hg19) VCF-style: chr15-48760695-C-T.
Other names: c.4496G>A, p.Ser1499Asn (NM_001406716.1); short protein forms S1499N.
Identifiers: ClinVar variation 4757671 (VCV004757671.1).